The following is an entry in ClinVar:

NM_001943.5(DSG2):c.2397T>G (p.Tyr799Ter)

Genes: DSG2 (desmoglein 2; plus strand), DSG2-AS1 (DSG2 antisense RNA 1; minus strand). Cytogenetic location: 18q12.1.
Variant type: single nucleotide variant.
Coding change: c.2397T>G on transcript NM_001943.5 (MANE Select); coding-DNA position 2397, T replaced by G.
Protein change: p.Tyr799Ter; replaces tyrosine 799 with a stop codon.
Molecular consequence: nonsense. On other transcripts: non-coding transcript variant (1).
Genome position (GRCh38, 1-based): chr18:31,545,783, T>G. VCF-style: chr18-31545783-T-G. GRCh37 (hg19) VCF-style: chr18-29125746-T-G.
Other names: short protein forms Y799*.
Identifiers: ClinVar variation 943833 (VCV000943833.9), dbSNP rs200201181, ClinGen allele CA402144505.

ClinVar aggregate classification (germline): Pathogenic (1 of 4 stars; one submission).

Conditions:
Arrhythmogenic right ventricular dysplasia 10. Also called: Arrhythmogenic Right Ventricular Dysplasia/Cardiomyopathy10; ARRHYTHMOGENIC RIGHT VENTRICULAR DYSPLASIA, FAMILIAL, 10; Arrhythmogenic right ventricular dysplasia/cardiomyopathy, type 10. Identifiers: MedGen C1857777, MONDO:0012434, OMIM 610193.

gnomAD v4.1: 3 of 1,614,218 alleles (0.00019%); highest among the groups gnomAD compares: Non-Finnish European, 0.00025%; no homozygotes.

Submission:

Labcorp Genetics (formerly Invitae), Labcorp
Classification: Pathogenic for Arrhythmogenic right ventricular dysplasia 10. Last evaluated: 2024-05-22. Review status: criteria provided, single submitter. Criteria: Invitae Variant Classification Sherloc (09022015). Collection method: clinical testing. Allele origin: germline.
Comment: This sequence change creates a premature translational stop signal (p.Tyr799*) in the DSG2 gene. While this is not anticipated to result in nonsense mediated decay, it is expected to disrupt the last 320 amino acid(s) of the DSG2 protein. This variant is present in population databases (no rsID available, gnomAD 0.0009%). This variant has not been reported in the literature in individuals affected with DSG2-related conditions. ClinVar contains an entry for this variant (Variation ID: 943833). This variant disrupts a region of the DSG2 protein in which other variant(s) (p.Glu1020Alafs*18) have been determined to be pathogenic (PMID: 20864495, 21397041, 23381804). This suggests that this is a clinically significant region of the protein, and that variants that disrupt it are likely to be disease-causing. For these reasons, this variant has been classified as Pathogenic.

Literature cited by the submitters: PubMed 20864495; PubMed 21397041; PubMed 23381804.